The following is an entry in ClinVar:

ClinVar aggregate classification (germline): Uncertain significance (1 of 4 stars; one submission).

Submission:

GeneDx
Classification: Uncertain significance. Last evaluated: 2021-03-05. Review status: criteria provided, single submitter. Criteria: GeneDx Variant Classification Process June 2021. Collection method: clinical testing. Allele origin: germline. Affected: yes.
Comment: Not observed in large population cohorts (Lek et al., 2016); In silico analysis supports that this missense variant has a deleterious effect on protein structure/function; Has not been previously published as pathogenic or benign to our knowledge

NM_002641.4(PIGA):c.1061C>A (p.Ser354Tyr)

Gene: PIGA (phosphatidylinositol glycan anchor biosynthesis class A; minus strand). Cytogenetic location: Xp22.2.
Variant type: single nucleotide variant.
Coding change: c.1061C>A on transcript NM_002641.4 (MANE Select); coding-DNA position 1061, C replaced by A.
Protein change: p.Ser354Tyr; replaces serine 354 with tyrosine.
Molecular consequence: missense variant. On other transcripts: non-coding transcript variant (2).
Genome position (GRCh38, 1-based): chrX:15,324,792, G>T on the plus strand (C>A on the coding strand, the complement: PIGA is on the minus strand). VCF-style: chrX-15324792-G-T. GRCh37 (hg19) VCF-style: chrX-15342914-G-T.
Other names: c.359C>A, p.Ser120Tyr (NM_020473.3); short protein forms S120Y, S354Y.
Identifiers: ClinVar variation 1254468 (VCV001254468.2), dbSNP rs2147717430, ClinGen allele CA412335565.